The following is an entry in ClinVar:

ClinVar aggregate classification (germline): Benign. Review status: criteria provided, multiple submitters, no conflicts (2 of 4 stars). 2 submissions from 2 submitters: Benign (2). Last evaluated 2018-01-13.

Conditions:
Hyperlipoproteinemia, type I. Also called: Lipoprotein Lipase Deficiency; Lipase D deficiency; Familial hyperlipo-proteinemia type 1; Hyperlipemia essential familial; Familial Lipoprotein Lipase Deficiency; Hyperlipoproteinemia type 1. Identifiers: Orphanet 309015, Orphanet 444490, MedGen C0023817, MONDO:0009387, OMIM 238600. Disease mechanism: loss of function.

Allele frequency attached by ClinVar (database versions not stated): 1000 Genomes Project 30x 0.17208; 1000 Genomes Project 0.16753; gnomAD 0.17655 and 0.17851; TOPMed 0.17873.

Submissions (2):

Illumina Laboratory Services, Illumina
Classification: Benign for Hyperlipoproteinemia, type I. Last evaluated: 2018-01-13. Review status: criteria provided, single submitter. Criteria: ICSL Variant Classification Criteria 13 December 2019. Collection method: clinical testing. Allele origin: germline.
Comment: This variant was observed in the ICSL laboratory as part of a predisposition screen in an ostensibly healthy population. It had not been previously curated by ICSL or reported in the Human Gene Mutation Database (HGMD: prior to June 1st, 2018), and was therefore a candidate for classification through an automated scoring system. Utilizing variant allele frequency, disease prevalence and penetrance estimates, and inheritance mode, an automated score was calculated to assess if this variant is too frequent to cause the disease. Based on the score and internal cut-off values, a variant classified as benign is not then subjected to further curation. The score for this variant resulted in a classification of benign for this disease.

Breakthrough Genomics
Classification: Benign. Review status: criteria provided, single submitter. Criteria: ACMG Guidelines, 2015. Collection method: not provided. Allele origin: germline. Inheritance: Autosomal recessive inheritance. Affected: yes.

NM_000237.3(LPL):c.*796A>G

Gene: LPL (lipoprotein lipase; plus strand). Cytogenetic location: 8p21.3.
Variant type: single nucleotide variant.
Coding change: c.*796A>G on transcript NM_000237.3 (MANE Select); 796 bases downstream of the stop codon, A replaced by G.
Molecular consequence: 3 prime UTR variant.
Genome position (GRCh38, 1-based): chr8:19,966,106, A>G. VCF-style: chr8-19966106-A-G. GRCh37 (hg19) VCF-style: chr8-19823617-A-G.
Identifiers: ClinVar variation 362428 (VCV000362428.6), dbSNP rs11570892, ClinGen allele CA10627383.